The following is an entry in ClinVar:

NM_024577.4(SH3TC2):c.279+4A>G

Gene: SH3TC2 (SH3 domain and tetratricopeptide repeats 2; minus strand). Cytogenetic location: 5q32.
Variant type: single nucleotide variant.
Coding change: c.279+4A>G on transcript NM_024577.4 (MANE Select); 4 bases into the intron after coding-DNA position 279, A replaced by G.
Molecular consequence: intron variant.
Genome position (GRCh38, 1-based): chr5:149,047,858, T>C on the plus strand (A>G on the coding strand, the complement: SH3TC2 is on the minus strand). VCF-style: chr5-149047858-T-C. GRCh37 (hg19) VCF-style: chr5-148427421-T-C.
Identifiers: ClinVar variation 572945 (VCV000572945.6), dbSNP rs371909418, ClinGen allele CA3499580.

ClinVar aggregate classification (germline): Uncertain significance. Review status: criteria provided, multiple submitters, no conflicts (2 of 4 stars). 2 submissions from 2 submitters: Uncertain significance (2). Last evaluated 2023-07-07.

Conditions:
Charcot-Marie-Tooth disease type 4. Also called: Charcot-Marie-Tooth disease, type IV; Charcot-Marie-Tooth, Type 4. Identifiers: Orphanet 64749, MedGen C4082197, MONDO:0018995.
Charcot-Marie-Tooth disease. Also called: Charcot-Marie-Tooth Hereditary Neuropathy; Charcot-Marie-Tooth Neuropathy. Identifiers: Orphanet 166, MedGen C0007959, MONDO:0015626.

Allele frequency attached by ClinVar (database versions not stated): gnomAD 0.00001; gnomAD exomes 0.00001 and 0.00002; ExAC 0.00002; TOPMed 0.00006; ESP Exome Variant Server 0.00023.
gnomAD v4.1: 15 of 1,613,914 alleles (0.00093%); highest among the groups gnomAD compares: African/African-American, 0.013%; 1 homozygote.

Submissions (2):

Labcorp Genetics (formerly Invitae), Labcorp
Classification: Uncertain significance for Charcot-Marie-Tooth disease type 4. Last evaluated: 2023-07-07. Review status: criteria provided, single submitter. Criteria: Invitae Variant Classification Sherloc (09022015). Collection method: clinical testing. Allele origin: germline.
Comment: Variants that disrupt the consensus splice site are a relatively common cause of aberrant splicing (PMID: 17576681, 9536098). Algorithms developed to predict the effect of sequence changes on RNA splicing suggest that this variant may create or strengthen a splice site. In summary, the available evidence is currently insufficient to determine the role of this variant in disease. Therefore, it has been classified as a Variant of Uncertain Significance. ClinVar contains an entry for this variant (Variation ID: 572945). This variant has not been reported in the literature in individuals affected with SH3TC2-related conditions. This variant is present in population databases (rs371909418, gnomAD 0.01%), including at least one homozygous and/or hemizygous individual. This sequence change falls in intron 3 of the SH3TC2 gene. It does not directly change the encoded amino acid sequence of the SH3TC2 protein. It affects a nucleotide within the consensus splice site.

Molecular Genetics Laboratory, London Health Sciences Centre
Classification: Uncertain significance for Charcot-Marie-Tooth disease. Review status: criteria provided, single submitter. Criteria: ACMG Guidelines, 2015. Collection method: clinical testing. Allele origin: germline. Affected: yes.

Literature cited by the submitters: PubMed 17576681 (cited by Labcorp Genetics (formerly Invitae), Labcorp); PubMed 9536098 (cited by Labcorp Genetics (formerly Invitae), Labcorp).